The following is an entry in ClinVar:

NM_001127208.3(TET2):c.3743T>C (p.Leu1248Pro)

Genes: TET2 (tet methylcytosine dioxygenase 2; plus strand), TET2-AS1 (TET2 antisense RNA 1; minus strand). Cytogenetic location: 4q24.
Variant type: single nucleotide variant.
Coding change: c.3743T>C on transcript NM_001127208.3 (MANE Select); coding-DNA position 3743, T replaced by C.
Protein change: p.Leu1248Pro; replaces leucine 1248 with proline.
Molecular consequence: missense variant.
Genome position (GRCh38, 1-based): chr4:105,243,718, T>C. VCF-style: chr4-105243718-T-C. GRCh37 (hg19) VCF-style: chr4-106164875-T-C.
Other names: short protein forms L1248P.
Identifiers: ClinVar variation 3723425 (VCV003723425.1).

ClinVar aggregate classification (germline): Uncertain significance (1 of 4 stars; one submission).

Submission:

Labcorp Genetics (formerly Invitae), Labcorp
Classification: Uncertain significance. Last evaluated: 2024-10-21. Review status: criteria provided, single submitter. Criteria: Invitae Variant Classification Sherloc (09022015). Collection method: clinical testing. Allele origin: germline.
Comment: This sequence change replaces leucine, which is neutral and non-polar, with proline, which is neutral and non-polar, at codon 1248 of the TET2 protein (p.Leu1248Pro). This variant is present in population databases (rs372179780, gnomAD 0.002%). This variant has not been reported in the literature in individuals affected with TET2-related conditions. An algorithm developed to predict the effect of missense changes on protein structure and function (PolyPhen-2) suggests that this variant is likely to be disruptive. In summary, the available evidence is currently insufficient to determine the role of this variant in disease. Therefore, it has been classified as a Variant of Uncertain Significance.